The following is an entry in ClinVar:

NM_000218.3(KCNQ1):c.605-1G>A

Gene: KCNQ1 (potassium voltage-gated channel subfamily Q member 1; plus strand). Cytogenetic location: 11p15.5.
Variant type: single nucleotide variant.
Coding change: c.605-1G>A on transcript NM_000218.3 (MANE Select); the canonical splice acceptor site of the intron before coding-DNA position 605, G replaced by A.
Molecular consequence: splice acceptor variant. On other transcripts: intron variant (1).
Genome position (GRCh38, 1-based): chr11:2,571,324, G>A. VCF-style: chr11-2571324-G-A. GRCh37 (hg19) VCF-style: chr11-2592554-G-A.
Other names: c.335-1G>A (NM_001406837.1); c.605-1G>A (NM_001406836.1); c.478-12111G>A (NM_001406838.1); c.224-1G>A (NM_181798.2).
Identifiers: ClinVar variation 1493047 (VCV001493047.7), dbSNP rs1564820372, ClinGen allele CA379130369.
Genomic context (GRCh38, chr11:2,571,324, plus strand): 5'-TCTTCCCTGGGGCCCTGGCTGTGGCGATCACGAAAAGCTCCCCCTCTCCTGCACTCCACA[G>A]ACCTCATCGTGGTCGTGGCCTCCATGGTGGTCCTCTGCGTGGGCTCCAAGGGGCAGGTGT-3'

ClinVar aggregate classification (germline): Pathogenic (1 of 4 stars; one submission).

Conditions:
Long QT syndrome (LQTS). Identifiers: MedGen C0023976, MeSH D008133, MONDO:0002442. Disease mechanism: loss of function. Inheritance: Various modes of inheritance.

Submission:

Labcorp Genetics (formerly Invitae), Labcorp
Classification: Pathogenic for Long QT syndrome. Last evaluated: 2025-01-27. Review status: criteria provided, single submitter. Criteria: Invitae Variant Classification Sherloc (09022015). Collection method: clinical testing. Allele origin: germline.
Comment: This sequence change affects an acceptor splice site in intron 3 of the KCNQ1 gene. It is expected to disrupt RNA splicing. Variants that disrupt the donor or acceptor splice site typically lead to a loss of protein function (PMID: 16199547), and loss-of-function variants in KCNQ1 are known to be pathogenic (PMID: 9323054, 19862833). This variant is not present in population databases (gnomAD no frequency). Disruption of this splice site has been observed in individual(s) with Jervell and Lange-Nielsen syndrome (PMID: 22629021). In at least one individual the data is consistent with being in trans (on the opposite chromosome) from a pathogenic variant. It has also been observed to segregate with disease in related individuals. ClinVar contains an entry for this variant (Variation ID: 1493047). Algorithms developed to predict the effect of sequence changes on RNA splicing suggest that this variant may disrupt the consensus splice site. For these reasons, this variant has been classified as Pathogenic.

Literature cited by the submitters: PubMed 16199547; PubMed 9323054; PubMed 19862833; PubMed 22629021.